The following is an entry in ClinVar:

NM_206933.4(USH2A):c.336C>G (p.Asp112Glu)

Gene: USH2A (usherin; minus strand). Cytogenetic location: 1q41.
Variant type: single nucleotide variant.
Coding change: c.336C>G on transcript NM_206933.4 (MANE Select); coding-DNA position 336, C replaced by G.
Protein change: p.Asp112Glu; replaces aspartic acid 112 with glutamic acid.
Molecular consequence: missense variant.
Genome position (GRCh38, 1-based): chr1:216,422,001, G>C on the plus strand (C>G on the coding strand, the complement: USH2A is on the minus strand). VCF-style: chr1-216422001-G-C. GRCh37 (hg19) VCF-style: chr1-216595343-G-C.
Other names: c.336C>G (NM_206933.2); c.336C>G, p.Asp112Glu (NM_007123.6); short protein forms D112E.
Identifiers: ClinVar variation 2417105 (VCV002417105.7), dbSNP rs1416921619, ClinGen allele CA344904184.
Genomic context (GRCh38, chr1:216,422,001, plus strand): 5'-GTGATTTCCAAAAATAAAACTTGCAGAATTGCTATGGGCGTTAGGATGCAGATCATTCTT[G>C]TCTGGTGTGATGCAGCTACTGAGGCCTGCTGAGAAAAGGGCAGTGTAGGTAGGGTGTGAA-3'
Protein context (NP_996816.3, residues 102-122): SAGLSSCITP[Asp112Glu]KNDLHPNAHS

ClinVar aggregate classification (germline): Uncertain significance. Review status: criteria provided, multiple submitters, no conflicts (2 of 4 stars). 2 submissions from 2 submitters: Uncertain significance (2). Last evaluated 2025-06-11.

Conditions:
Inborn genetic diseases. Identifiers: MedGen C0950123, MeSH D030342.

Submissions (2):

Ambry Genetics
Classification: Uncertain significance for Inborn genetic diseases. Last evaluated: 2025-06-11. Review status: criteria provided, single submitter. Criteria: Ambry Variant Classification Scheme 2023. Collection method: clinical testing. Allele origin: germline.

Labcorp Genetics (formerly Invitae), Labcorp
Classification: Uncertain significance. Last evaluated: 2022-05-30. Review status: criteria provided, single submitter. Criteria: Invitae Variant Classification Sherloc (09022015). Collection method: clinical testing. Allele origin: germline.
Comment: This sequence change replaces aspartic acid, which is acidic and polar, with glutamic acid, which is acidic and polar, at codon 112 of the USH2A protein (p.Asp112Glu). The frequency data for this variant in the population databases is considered unreliable, as metrics indicate poor data quality at this position in the gnomAD database. In summary, the available evidence is currently insufficient to determine the role of this variant in disease. Therefore, it has been classified as a Variant of Uncertain Significance. This variant has not been reported in the literature in individuals affected with USH2A-related conditions. Algorithms developed to predict the effect of missense changes on protein structure and function are either unavailable or do not agree on the potential impact of this missense change (SIFT: "Deleterious"; PolyPhen-2: "Probably Damaging"; Align-GVGD: "Class C0").